The following is an entry in ClinVar:

NM_170707.4(LMNA):c.936G>A (p.Gln312=)

Gene: LMNA (lamin A/C; plus strand). Cytogenetic location: 1q22.
Variant type: single nucleotide variant.
Coding change: c.936G>A on transcript NM_170707.4 (MANE Select); coding-DNA position 936, G replaced by A.
Protein change: p.Gln312=; no amino-acid change (glutamine 312 retained).
Molecular consequence: synonymous variant.
Genome position (GRCh38, 1-based): chr1:156,135,312, G>A. VCF-style: chr1-156135312-G-A. GRCh37 (hg19) VCF-style: chr1-156105103-G-A.
Other names: p.Gln312=; c.600G>A, p.Gln200= (NM_001257374.3); c.693G>A, p.Gln231= (NM_001282624.2); c.936G>A, p.Gln312= (NM_001282625.2, NM_001282626.2, NM_005572.4 and 1 more transcripts).
Identifiers: ClinVar variation 1349667 (VCV001349667.8), dbSNP rs2102884287, ClinGen allele CA421068710.

ClinVar aggregate classification (germline): Conflicting classifications of pathogenicity. Review status: criteria provided, conflicting classifications (1 of 4 stars). 3 submissions from 3 submitters: Pathogenic (1); Likely pathogenic (1); Uncertain significance (1). Last evaluated 2025-10-29.

Conditions:
Charcot-Marie-Tooth disease type 2. Also called: Charcot-Marie-Tooth type 2. Identifiers: Orphanet 64746, MedGen C0270914, MONDO:0018993.
LMNA-related disorder. Also called: LMNA-related condition; LMNA-related disease; LMNA-related disorders. Identifiers: MedGen CN380145.

Submissions (3):

Mayo Clinic Laboratories, Mayo Clinic
Classification: Pathogenic. Last evaluated: 2025-10-29. Review status: criteria provided, single submitter. Criteria: ACMG Guidelines, 2015. Collection method: clinical testing. Allele origin: germline. Observed: 1 variant allele.
Comment: PP1, PM2_supporting, PVS1

Labcorp Genetics (formerly Invitae), Labcorp
Classification: Uncertain significance for Charcot-Marie-Tooth disease type 2. Last evaluated: 2022-03-18. Review status: criteria provided, single submitter. Criteria: Invitae Variant Classification Sherloc (09022015). Collection method: clinical testing. Allele origin: germline.
Comment: In summary, the available evidence is currently insufficient to determine the role of this variant in disease. Therefore, it has been classified as a Variant of Uncertain Significance. Variants that disrupt the consensus splice site are a relatively common cause of aberrant splicing (PMID: 17576681, 9536098). Algorithms developed to predict the effect of sequence changes on RNA splicing suggest that this variant may disrupt the consensus splice site. This variant has not been reported in the literature in individuals affected with LMNA-related conditions. This variant is not present in population databases (gnomAD no frequency). This sequence change affects codon 312 of the LMNA mRNA. It is a 'silent' change, meaning that it does not change the encoded amino acid sequence of the LMNA protein. This variant also falls at the last nucleotide of exon 5, which is part of the consensus splice site for this exon.

Blueprint Genetics
Classification: Likely pathogenic for LMNA-related disorders. Last evaluated: 2020-12-28. Review status: criteria provided, single submitter. Criteria: ACMG Guidelines, 2015. Collection method: clinical testing. Allele origin: germline. Affected: yes. Observed: 2 variant alleles.

Literature cited by the submitters: PubMed 34652067 (cited by Mayo Clinic Laboratories, Mayo Clinic); PubMed 17576681 (cited by Labcorp Genetics (formerly Invitae), Labcorp); PubMed 9536098 (cited by Labcorp Genetics (formerly Invitae), Labcorp).